The following is an entry in ClinVar:

ClinVar aggregate classification (germline): Uncertain significance (1 of 4 stars; one submission).

Allele frequency attached by ClinVar (database versions not stated): gnomAD exomes below 0.00001.

Submission:

Labcorp Genetics (formerly Invitae), Labcorp
Classification: Uncertain significance. Last evaluated: 2022-02-05. Review status: criteria provided, single submitter. Criteria: Invitae Variant Classification Sherloc (09022015). Collection method: clinical testing. Allele origin: germline.
Comment: This sequence change creates a premature translational stop signal (p.Leu1548Phefs*6) in the PTPN23 gene. While this is not anticipated to result in nonsense mediated decay, it is expected to disrupt the last 89 amino acid(s) of the PTPN23 protein. In summary, the available evidence is currently insufficient to determine the role of this variant in disease. Therefore, it has been classified as a Variant of Uncertain Significance. Experimental studies and prediction algorithms are not available or were not evaluated, and the functional significance of this variant is currently unknown. This variant has not been reported in the literature in individuals affected with PTPN23-related conditions. This variant is not present in population databases (gnomAD no frequency).

NM_015466.4(PTPN23):c.4642_4643del (p.Leu1548fs)

Gene: PTPN23 (protein tyrosine phosphatase non-receptor type 23; plus strand). Cytogenetic location: 3p21.31.
Variant type: Deletion.
Coding change: c.4642_4643del on transcript NM_015466.4 (MANE Select); coding-DNA positions 4642 to 4643, 2 bases deleted (CT; older notation c.4642_4643delCT).
Protein change: p.Leu1548fs; shifts the reading frame from leucine 1548.
Molecular consequence: frameshift variant.
Genome position (GRCh38, 1-based): chr3:47,412,916-47,412,917, CT deleted. VCF-style (leftmost placement, unchanged base first): chr3-47412915-CCT-C. GRCh37 (hg19) VCF-style: chr3-47454405-CCT-C.
Other names: c.4264_4265del, p.Leu1422fs (NM_001304482.2); short protein forms L1422fs, L1548fs.
Identifiers: ClinVar variation 2082111 (VCV002082111.4), dbSNP rs2546261235, ClinGen allele CA2577579708.